The following is an entry in ClinVar:

ClinVar aggregate classification (germline): Conflicting classifications of pathogenicity. Review status: criteria provided, conflicting classifications (1 of 4 stars). 4 submissions from 4 submitters: Uncertain significance (3); Likely benign (1). Last evaluated 2026-04-26.

Conditions:
Ocular cystinosis. Also called: Non-Nephropathic Cystinosis; Non-Nephropathic (Ocular) Cystinosis. Identifiers: Orphanet 213, Orphanet 411641, MedGen C2931013, MONDO:0009064, OMIM 219750.
Nephropathic cystinosis (CTNS). Also called: Abderhalden Lignac Kaufmann disease; Abderhalden-Kaufmann-Lignac syndrome; CYSTINOSIN, DEFECT OF; LYSOSOMAL CYSTINE TRANSPORT PROTEIN, DEFECT OF. Identifiers: Orphanet 213, Orphanet 411629, MedGen C2931187, MONDO:0100151, OMIM 219800.
Juvenile nephropathic cystinosis. Also called: Intermediate Cystinosis; CYSTINOSIS, LATE-ONSET JUVENILE OR ADOLESCENT NEPHROPATHIC TYPE; Later-Onset (Juvenile) Cystinosis. Identifiers: Orphanet 213, Orphanet 411634, MedGen C0268626, MONDO:0009066, OMIM 219900.
Inborn genetic diseases. Identifiers: MedGen C0950123, MeSH D030342.

Allele frequency attached by ClinVar (database versions not stated): TOPMed 0.00002; 1000 Genomes Project 0.00020; gnomAD exomes 0.00004 and 0.00007; ExAC 0.00007; 1000 Genomes Project 30x 0.00016; gnomAD 0.00001.
gnomAD v4.1: 63 of 1,614,190 alleles (0.0039%); highest among the groups gnomAD compares: South Asian, 0.067%; no homozygotes.

Submissions (4):

GeneDx
Classification: Uncertain significance. Last evaluated: 2026-04-26. Review status: criteria provided, single submitter. Criteria: GeneDx Variant Classification Process June 2021. Collection method: clinical testing. Allele origin: germline.
Comment: In silico analysis suggests that this missense variant does not alter protein structure/function; Has not been previously published as pathogenic or benign to our knowledge; This variant is associated with the following publications: (PMID: 35513889)

Labcorp Genetics (formerly Invitae), Labcorp
Classification: Likely benign for Inborn genetic diseases; Ocular cystinosis; Juvenile nephropathic cystinosis. Last evaluated: 2025-12-06. Review status: criteria provided, single submitter. Criteria: Invitae Variant Classification Sherloc (09022015). Collection method: clinical testing. Allele origin: germline.

Ambry Genetics
Classification: Uncertain significance for Inborn genetic diseases. Last evaluated: 2024-05-02. Review status: criteria provided, single submitter. Criteria: Ambry Variant Classification Scheme 2023. Collection method: clinical testing. Allele origin: germline.

Fulgent Genetics
Classification: Uncertain significance for Ocular cystinosis; Nephropathic cystinosis; Juvenile nephropathic cystinosis. Last evaluated: 2024-04-20. Review status: criteria provided, single submitter. Criteria: ACMG Guidelines, 2015. Collection method: clinical testing. Allele origin: germline.

NM_004937.3(CTNS):c.80C>A (p.Thr27Asn)

Gene: CTNS (cystinosin, lysosomal cystine transporter; plus strand). Cytogenetic location: 17p13.2.
Variant type: single nucleotide variant.
Coding change: c.80C>A on transcript NM_004937.3 (MANE Select); coding-DNA position 80, C replaced by A.
Protein change: p.Thr27Asn; replaces threonine 27 with asparagine.
Molecular consequence: missense variant. On other transcripts: 5 prime UTR variant (3), intron variant (1).
Genome position (GRCh38, 1-based): chr17:3,647,462, C>A. VCF-style: chr17-3647462-C-A. GRCh37 (hg19) VCF-style: chr17-3550756-C-A.
Other names: c.80C>A, p.Thr27Asn (NM_001031681.3, NM_001374492.1); c.-277C>A (NM_001374493.1, NM_001374496.1); c.-362C>A (NM_001374494.1); c.-217+7195C>A (NM_001374495.1); c.80C>A (NM_004937.2); short protein forms T27N.
Identifiers: ClinVar variation 1597694 (VCV001597694.12), dbSNP rs576315457, ClinGen allele CA8291548.